The following is an entry in ClinVar:

ClinVar aggregate classification (germline): Benign/Likely benign. Review status: criteria provided, multiple submitters, no conflicts (2 of 4 stars). 3 submissions from 3 submitters: Benign (2); Likely benign (1). Last evaluated 2026-01-29.

Allele frequency attached by ClinVar (database versions not stated): gnomAD 0.00001 and 0.00014; TOPMed 0.00004; gnomAD exomes 0.00027 and 0.00060; ExAC 0.00076; 1000 Genomes Project 30x 0.00109; 1000 Genomes Project 0.00120.
gnomAD v4.1: 409 of 1,614,058 alleles (0.025%); highest among the groups gnomAD compares: South Asian, 0.43%; 9 homozygotes.

Submissions (3):

Labcorp Genetics (formerly Invitae), Labcorp
Classification: Benign. Last evaluated: 2026-01-29. Review status: criteria provided, single submitter. Criteria: Invitae Variant Classification Sherloc (09022015). Collection method: clinical testing. Allele origin: germline.

CeGaT Center for Human Genetics Tuebingen
Classification: Likely benign. Last evaluated: 2024-08-01. Review status: criteria provided, single submitter. Criteria: CeGaT Center For Human Genetics Tuebingen Variant Classification Criteria Version 2. Collection method: clinical testing. Allele origin: germline. Affected: yes. Observed: 1 variant allele.
Comment: KMT2A: BP4, BP7, BS1

GeneDx
Classification: Benign. Last evaluated: 2020-04-03. Review status: criteria provided, single submitter. Criteria: GeneDx Variant Classification Process June 2021. Collection method: clinical testing. Allele origin: germline. Affected: yes.

NM_001197104.2(KMT2A):c.6693C>T (p.Ser2231=)

Gene: KMT2A (lysine methyltransferase 2A; plus strand). Cytogenetic location: 11q23.3.
Variant type: single nucleotide variant.
Coding change: c.6693C>T on transcript NM_001197104.2 (MANE Select); coding-DNA position 6693, C replaced by T.
Protein change: p.Ser2231=; no amino-acid change (serine 2231 retained).
Molecular consequence: synonymous variant.
Genome position (GRCh38, 1-based): chr11:118,502,585, C>T. VCF-style: chr11-118502585-C-T. GRCh37 (hg19) VCF-style: chr11-118373300-C-T.
Other names: c.6684C>T, p.Ser2228= (NM_005933.4).
Identifiers: ClinVar variation 744444 (VCV000744444.28), dbSNP rs569463074, ClinGen allele CA6304297.